The following is an entry in ClinVar:

ClinVar aggregate classification (germline): Likely pathogenic. Review status: criteria provided, single submitter (1 of 4 stars). 2 submissions from 2 submitters: Likely pathogenic (1). 1 of the submissions does not count toward it. Last evaluated 2026-04-30.

Conditions:
Neurofibromatosis, type 1 (NF1). Also called: NEUROFIBROMATOSIS, TYPE I, SOMATIC; Neurofibromatosis, type I; VON RECKLINGHAUSEN DISEASE; Peripheral type neurofibromatosis. Identifiers: Orphanet 636, MedGen C0027831, MONDO:0018975, OMIM 162200. Disease mechanism: loss of function.

Submissions (2):

Women's Health and Genetics/Laboratory Corporation of America, LabCorp
Classification: Likely pathogenic for Neurofibromatosis, type 1. Last evaluated: 2026-04-30. Review status: criteria provided, single submitter. Criteria: LabCorp Variant Classification Summary - May 2015. Collection method: clinical testing. Allele origin: germline.
Comment: Variant summary: NF1 c.7394+2T>G is located in a canonical splice-site and is predicted to affect mRNA splicing resulting in a significantly altered protein due to either exon skipping, shortening, or inclusion of intronic material. Variants that disrupt the consensus splice site are a relatively common cause of aberrant splicing and loss of NF1 function. Several computational tools predict a significant impact on normal splicing: Three predict the variant abolishes a canonical 5' splicing donor site. However, these predictions have yet to be confirmed by functional studies. The variant was absent in 250852 control chromosomes. To our knowledge, no occurrence of c.7394+2T>G in individuals affected with NF1-related conditions and no experimental evidence demonstrating its impact on protein function have been reported. ClinVar contains an entry for this variant (Variation ID: 1184517). Based on the evidence outlined above, the variant was classified as likely pathogenic.

Genomics England Pilot Project, Genomics England
Classification: Likely pathogenic for Neurofibromatosis, type 1. Review status: no assertion criteria provided. Criteria: ACGS Guidelines, 2016. Collection method: clinical testing. Allele origin: germline. Affected: yes. Not counted in ClinVar's aggregate classification.

NM_001042492.3(NF1):c.7457+2T>G

Gene: NF1 (neurofibromin 1; plus strand). Cytogenetic location: 17q11.2.
Variant type: single nucleotide variant.
Coding change: c.7457+2T>G on transcript NM_001042492.3 (MANE Select); the canonical splice donor site of the intron after coding-DNA position 7457, T replaced by G.
Molecular consequence: splice donor variant.
Genome position (GRCh38, 1-based): chr17:31,350,320, T>G. VCF-style: chr17-31350320-T-G. GRCh37 (hg19) VCF-style: chr17-29677338-T-G.
Other names: c.7394+2T>G (NM_000267.4, NM_000267.3).
Identifiers: ClinVar variation 1184517 (VCV001184517.3), dbSNP rs2151574701, ClinGen allele CA399017235.